The following is an entry in ClinVar:

NM_012193.4(FZD4):c.73C>G (p.Leu25Val)

Gene: FZD4 (frizzled class receptor 4; minus strand). Cytogenetic location: 11q14.2.
Variant type: single nucleotide variant.
Coding change: c.73C>G on transcript NM_012193.4 (MANE Select); coding-DNA position 73, C replaced by G.
Protein change: p.Leu25Val; replaces leucine 25 with valine.
Molecular consequence: missense variant.
Genome position (GRCh38, 1-based): chr11:86,955,013, G>C on the plus strand (C>G on the coding strand, the complement: FZD4 is on the minus strand). VCF-style: chr11-86955013-G-C. GRCh37 (hg19) VCF-style: chr11-86666055-G-C.
Other names: short protein forms L25V.
Identifiers: ClinVar variation 2075145 (VCV002075145.4), dbSNP rs746558042, ClinGen allele CA6218538.
Genomic context (GRCh38, chr11:86,955,013, plus strand): 5'-AGCGCCGCTCTTCCTCGTCCCCGAAGCCCCGCGCCGGCCCCAGGAGCAGCAGCAACTGCA[G>C]GAGCAACCCCAGACTGAGACCGACGCCCCCGGGCGCCCCCGGGACGCTCGGCCCTGCGCC-3'
Protein context (NP_036325.2, residues 15-35): GGVGLSLGLL[Leu25Val]QLLLLLGPAR

ClinVar aggregate classification (germline): Uncertain significance (1 of 4 stars; one submission).

Allele frequency attached by ClinVar (database versions not stated): ExAC 0.00002.
gnomAD v4.1: 6 of 1,612,776 alleles (0.00037%); highest among the groups gnomAD compares: Admixed American, 0.01%; no homozygotes.

Submission:

Labcorp Genetics (formerly Invitae), Labcorp
Classification: Uncertain significance. Last evaluated: 2022-05-26. Review status: criteria provided, single submitter. Criteria: Invitae Variant Classification Sherloc (09022015). Collection method: clinical testing. Allele origin: germline.
Comment: Algorithms developed to predict the effect of missense changes on protein structure and function are either unavailable or do not agree on the potential impact of this missense change (SIFT: "Tolerated"; PolyPhen-2: "Not Available"; Align-GVGD: "Class C0"). This variant has not been reported in the literature in individuals affected with FZD4-related conditions. This variant is present in population databases (rs746558042, gnomAD 0.02%). This sequence change replaces leucine, which is neutral and non-polar, with valine, which is neutral and non-polar, at codon 25 of the FZD4 protein (p.Leu25Val). In summary, the available evidence is currently insufficient to determine the role of this variant in disease. Therefore, it has been classified as a Variant of Uncertain Significance.